The following is an entry in ClinVar:

ClinVar aggregate classification (germline): Benign/Likely benign. Review status: criteria provided, multiple submitters, no conflicts (2 of 4 stars). 3 submissions from 3 submitters: Benign (1); Likely benign (2). Last evaluated 2025-12-22.

Conditions:
COL4A5-related disorder. Also called: COL4A5-related condition.
X-linked Alport syndrome (ATS1). Also called: COL4A5-Related Nephropathy; NEPHROPATHY AND DEAFNESS, X-LINKED. Identifiers: Orphanet 63, Orphanet 88917, MedGen C4746986, MONDO:0010520, OMIM 301050.

Allele frequency attached by ClinVar (database versions not stated): TOPMed 0.00001; gnomAD 0.00005; gnomAD exomes 0.00007 and 0.00019; ExAC 0.00021; 1000 Genomes Project 0.00053; 1000 Genomes Project 30x 0.00083.
gnomAD v4.1: 78 of 1,206,163 alleles (0.0065%); highest among the groups gnomAD compares: South Asian, 0.13%; no homozygotes.

Submissions (3):

PreventionGenetics, part of Exact Sciences
Classification: Likely benign for COL4A5-related condition. Last evaluated: 2025-12-22. Review status: criteria provided, single submitter. Criteria: ACMG Guidelines, 2015. Collection method: clinical testing. Allele origin: germline.
Comment: This variant is classified as likely benign based on ACMG/AMP sequence variant interpretation guidelines (Richards et al. 2015 PMID: 25741868, with internal and published modifications).

Labcorp Genetics (formerly Invitae), Labcorp
Classification: Benign. Last evaluated: 2024-02-24. Review status: criteria provided, single submitter. Criteria: Invitae Variant Classification Sherloc (09022015). Collection method: clinical testing. Allele origin: germline.

Fulgent Genetics
Classification: Likely benign for X-linked Alport syndrome. Last evaluated: 2021-09-28. Review status: criteria provided, single submitter. Criteria: ACMG Guidelines, 2015. Collection method: clinical testing. Allele origin: unknown.

NM_033380.3(COL4A5):c.1979C>T (p.Thr660Ile)

Gene: COL4A5 (collagen type IV alpha 5 chain; plus strand). Cytogenetic location: Xq22.3.
Variant type: single nucleotide variant.
Coding change: c.1979C>T on transcript NM_033380.3 (MANE Select); coding-DNA position 1979, C replaced by T.
Protein change: p.Thr660Ile; replaces threonine 660 with isoleucine.
Molecular consequence: missense variant.
Genome position (GRCh38, 1-based): chrX:108,601,423, C>T. VCF-style: chrX-108601423-C-T. GRCh37 (hg19) VCF-style: chrX-107844653-C-T.
Other names: c.1979C>T, p.Thr660Ile (NM_000495.5); c.1979C>T (NM_000495.4); short protein forms T660I.
Identifiers: ClinVar variation 1167803 (VCV001167803.11), dbSNP rs780612276, ClinGen allele CA10488825.